The following is an entry in ClinVar:

NM_000193.4(SHH):c.157G>A (p.Glu53Lys)

Gene: SHH (sonic hedgehog signaling molecule; minus strand). Cytogenetic location: 7q36.3.
Variant type: single nucleotide variant.
Coding change: c.157G>A on transcript NM_000193.4 (MANE Select); coding-DNA position 157, G replaced by A.
Protein change: p.Glu53Lys; replaces glutamic acid 53 with lysine.
Molecular consequence: missense variant.
Genome position (GRCh38, 1-based): chr7:155,811,966, C>T on the plus strand (G>A on the coding strand, the complement: SHH is on the minus strand). VCF-style: chr7-155811966-C-T. GRCh37 (hg19) VCF-style: chr7-155604660-C-T.
Other names: short protein forms E53K.
Identifiers: ClinVar variation 3775126 (VCV003775126.1).

ClinVar aggregate classification (germline): Likely pathogenic (1 of 4 stars; one submission).

Conditions:
Solitary median maxillary central incisor syndrome. Also called: FUSED INCISORS; SINGLE CENTRAL MAXILLARY INCISOR; Solitary median maxillary central incisor; SMMCI SYNDROME; Single Central Incisor Syndrome. Identifiers: MedGen C1840235, MONDO:0007819, OMIM 147250, HP:0006315.

Submission:

Laboratory of Molecular Genetics, CHU Rennes
Classification: Likely pathogenic for Solitary median maxillary central incisor syndrome. Last evaluated: 2025-02-27. Review status: criteria provided, single submitter. Criteria: ACMG Guidelines, 2015. Collection method: clinical testing. Allele origin: unknown. Inheritance: Autosomal dominant inheritance. Affected: yes.
Comment: The NM_000193.4:c157G>A, is a missense variant in SHH in the Hedgehog domain (PM1), absent from controls (PM2), predicted pathogenic by prediction tools (PP3). In summary, this variant meets criteria to be classified as likely pathogenic for holoprosencephaly based on the ACMG criteria applied (PM1, PM2, PP3, PP4).